The following is an entry in ClinVar:

ClinVar aggregate classification (germline): Likely benign (1 of 4 stars; one submission).

Submission:

CeGaT Center for Human Genetics Tuebingen
Classification: Likely benign. Last evaluated: 2023-01-01. Review status: criteria provided, single submitter. Criteria: CeGaT Center For Human Genetics Tuebingen Variant Classification Criteria Version 2. Collection method: clinical testing. Allele origin: germline. Affected: yes. Observed: 2 variant alleles.
Comment: DNAI7: BS2

NM_018272.5(DNAI7):c.1894-3_1894-2insTTTTTTTTTTTTTTTTTTTTTTTTT

Gene: DNAI7 (dynein axonemal intermediate chain 7; minus strand). Cytogenetic location: 12p12.1.
Variant type: Insertion.
Coding change: c.1894-3_1894-2insTTTTTTTTTTTTTTTTTTTTTTTTT on transcript NM_018272.5 (MANE Select); 3 bases into the intron before coding-DNA position 1894 through the canonical splice acceptor site of the intron before coding-DNA position 1894, TTTTTTTTTTTTTTTTTTTTTTTTT inserted.
Molecular consequence: intron variant.
Genome position: GRCh38 VCF-style: chr12-25108825-T-TAAAAAAAAAAAAAAAAAAAAAAAAA. GRCh37 (hg19) VCF-style: chr12-25261759-T-TAAAAAAAAAAAAAAAAAAAAAAAAA.
Other names: c.1381-3_1381-2insTTTTTTTTTTTTTTTTTTTTTTTTT (NM_001352067.2); c.1699-3_1699-2insTTTTTTTTTTTTTTTTTTTTTTTTT (NM_001204101.3); c.1438-65_1438-64insTTTTTTTTTTTTTTTTTTTTTTTTT (NM_001352068.2); c.1756-3_1756-2insTTTTTTTTTTTTTTTTTTTTTTTTT (NM_001352061.2, NM_001319978.2, NM_001204102.3); c.1540-65_1540-64insTTTTTTTTTTTTTTTTTTTTTTTTT (NM_001319977.2); c.1540-3_1540-2insTTTTTTTTTTTTTTTTTTTTTTTTT (NM_001352065.2); c.1558-3_1558-2insTTTTTTTTTTTTTTTTTTTTTTTTT (NM_001352064.2); c.1876-65_1876-64insTTTTTTTTTTTTTTTTTTTTTTTTT (NM_001352062.2); and 4 more.
Identifiers: ClinVar variation 2642791 (VCV002642791.24), dbSNP rs60370851, ClinGen allele CA945745665.